The following is an entry in ClinVar:

ClinVar aggregate classification (germline): Uncertain significance (1 of 4 stars; one submission).

Conditions:
RASopathy. Also called: Noonan spectrum disorder; rasopathies. Identifiers: Orphanet 536391, MedGen C5555857, MONDO:0021060.

Allele frequency attached by ClinVar (database versions not stated): gnomAD exomes below 0.00001; gnomAD 0.00001; 1000 Genomes Project 30x 0.00016; 1000 Genomes Project 0.00020.

Submission:

Labcorp Genetics (formerly Invitae), Labcorp
Classification: Uncertain significance for RASopathy. Last evaluated: 2022-09-21. Review status: criteria provided, single submitter. Criteria: Invitae Variant Classification Sherloc (09022015). Collection method: clinical testing. Allele origin: germline.
Comment: This variant is not present in population databases (gnomAD no frequency). This sequence change replaces threonine, which is neutral and polar, with methionine, which is neutral and non-polar, at codon 50 of the CBL protein (p.Thr50Met). This variant has not been reported in the literature in individuals affected with CBL-related conditions. In summary, the available evidence is currently insufficient to determine the role of this variant in disease. Therefore, it has been classified as a Variant of Uncertain Significance. Advanced modeling of protein sequence and biophysical properties (such as structural, functional, and spatial information, amino acid conservation, physicochemical variation, residue mobility, and thermodynamic stability) has been performed at Invitae for this missense variant, however the output from this modeling did not meet the statistical confidence thresholds required to predict the impact of this variant on CBL protein function.

NM_005188.4(CBL):c.149C>T (p.Thr50Met)

Genes: CBL (Cbl proto-oncogene; plus strand), LOC130006895 (ATAC-STARR-seq lymphoblastoid silent region 3975; plus strand). Cytogenetic location: 11q23.3.
Variant type: single nucleotide variant.
Coding change: c.149C>T on transcript NM_005188.4 (MANE Select); coding-DNA position 149, C replaced by T.
Protein change: p.Thr50Met; replaces threonine 50 with methionine.
Molecular consequence: missense variant.
Genome position (GRCh38, 1-based): chr11:119,206,566, C>T. VCF-style: chr11-119206566-C-T. GRCh37 (hg19) VCF-style: chr11-119077276-C-T.
Other names: short protein forms T50M.
Identifiers: ClinVar variation 1982079 (VCV001982079.4), dbSNP rs201291907, ClinGen allele CA229653755.